The following is an entry in ClinVar:

NM_001148.6(ANK2):c.5231C>A (p.Ala1744Asp)

Genes: ANK2 (ankyrin 2; plus strand), LOC126807136 (MED14-independent group 3 enhancer GRCh37_chr4:114274931-114276130; plus strand). Cytogenetic location: 4q26.
Variant type: single nucleotide variant.
Coding change: c.5231C>A on transcript NM_001148.6 (MANE Select); coding-DNA position 5231, C replaced by A.
Protein change: p.Ala1744Asp; replaces alanine 1744 with aspartic acid.
Molecular consequence: missense variant. On other transcripts: intron variant (68).
Genome position (GRCh38, 1-based): chr4:113,353,849, C>A. VCF-style: chr4-113353849-C-A. GRCh37 (hg19) VCF-style: chr4-114275005-C-A.
Other names: c.4997C>A, p.Ala1666Asp (NM_001386142.1); c.1631C>A, p.Ala544Asp (NM_001386166.1); c.5372C>A, p.Ala1791Asp (NM_001386174.1); c.5348C>A, p.Ala1783Asp (NM_001386175.1); c.4411+3600C>A (NM_001386186.2, NM_001386148.2); c.4213+3600C>A (NM_001354269.3); c.4291+3600C>A (NM_001386187.2); c.4252+3600C>A (NM_001386147.1); and 35 more; short protein forms A1744D, A1666D, A1783D, A1791D, A544D.
Identifiers: ClinVar variation 264303 (VCV000264303.16), dbSNP rs147706514, ClinGen allele CA3051190.

ClinVar aggregate classification (germline): Conflicting classifications of pathogenicity. Review status: criteria provided, conflicting classifications (1 of 4 stars). 6 submissions from 6 submitters: Uncertain significance (2); Likely benign (3). 1 of the submissions does not count toward it. Last evaluated 2025-11-21.

Conditions:
Cardiovascular phenotype. Identifiers: MedGen CN230736.
Long QT syndrome (LQTS). Identifiers: MedGen C0023976, MeSH D008133, MONDO:0002442. Disease mechanism: loss of function. Inheritance: Various modes of inheritance.
Intellectual disability. Also called: intellectual disabilities; Intellectual functioning disability; Intellectual developmental disorder. Identifiers: MedGen C3714756, MeSH D008607, MONDO:0001071, HP:0001249.

Allele frequency attached by ClinVar (database versions not stated): TOPMed 0.00007; ESP Exome Variant Server 0.00023.
gnomAD v4.1: 154 of 1,613,782 alleles (0.0095%); highest among the groups gnomAD compares: Non-Finnish European, 0.013%; no homozygotes.

Submissions (6):

Labcorp Genetics (formerly Invitae), Labcorp
Classification: Uncertain significance for Long QT syndrome. Last evaluated: 2025-11-21. Review status: criteria provided, single submitter. Criteria: Invitae Variant Classification Sherloc (09022015). Collection method: clinical testing. Allele origin: germline.
Comment: This sequence change replaces alanine, which is neutral and non-polar, with aspartic acid, which is acidic and polar, at codon 1744 of the ANK2 protein (p.Ala1744Asp). This variant is present in population databases (rs147706514, gnomAD 0.02%). This missense change has been observed in individual(s) with hypertrophic cardiomyopathy (PMID: 23396983). ClinVar contains an entry for this variant (Variation ID: 264303). An algorithm developed to predict the effect of missense changes on protein structure and function (PolyPhen-2) suggests that this variant is likely to be tolerated. In summary, the available evidence is currently insufficient to determine the role of this variant in disease. Therefore, it has been classified as a Variant of Uncertain Significance.

Blueprint Genetics
Classification: Likely benign. Last evaluated: 2024-10-25. Review status: criteria provided, single submitter. Criteria: ACMG Guidelines, 2015. Collection method: clinical testing. Allele origin: germline.

Ambry Genetics
Classification: Likely benign for Cardiovascular phenotype. Last evaluated: 2021-11-18. Review status: criteria provided, single submitter. Criteria: Ambry Variant Classification Scheme 2023. Collection method: clinical testing. Allele origin: germline.

Women's Health and Genetics/Laboratory Corporation of America, LabCorp
Classification: Likely benign. Last evaluated: 2019-05-27. Review status: criteria provided, single submitter. Criteria: LabCorp Variant Classification Summary - May 2015. Collection method: clinical testing. Allele origin: germline.
Comment: Variant summary: ANK2 c.5231C>A (p.Ala1744Asp) results in a non-conservative amino acid change in the encoded protein sequence. Three of five in-silico tools predict a benign effect of the variant on protein function. The variant allele was found at a frequency of 7.2e-05 in 249916 control chromosomes, predominantly at a frequency of 0.00015 within the Non-Finnish European subpopulation in the gnomAD database. The observed variant frequency within Non-Finnish European control individuals in the gnomAD database is approximately 15 fold of the estimated maximal expected allele frequency for a pathogenic variant in ANK2 causing Arrhythmia phenotype (1e-05), strongly suggesting that the variant is a benign polymorphism found primarily in populations of Non-Finnish European origin. c.5231C>A has been reported in the literature in an individual affected with hypertrophic cardiomyopathy (Lopes_2013). This report however, does not provide unequivocal conclusions about association of the variant with Arrhythmia. To our knowledge, no experimental evidence demonstrating an impact on protein function has been reported. Two clinical diagnostic laboratories have submitted clinical-significance assessments for this variant to ClinVar after 2014 without evidence for independent evaluation and classified the variant as uncertain significance. Based on the evidence outlined above, the variant was classified as likely benign.

GeneDx
Classification: Uncertain significance. Last evaluated: 2018-05-25. Review status: criteria provided, single submitter. Criteria: GeneDx Variant Classification (06012015). Collection method: clinical testing. Allele origin: germline. Affected: yes.
Comment: A variant of uncertain significance has been identified in the ANK2 gene. The A1744D variant has not been published as pathogenic or been reported as benign to our knowledge. This variant is observed in 22/125540 (0.0175%) alleles from individuals of European (non-Finnish) ancestry in large population cohorts (Lek et al., 2016). In-silico analyses, including protein predictors and evolutionary conservation, support that this variant does not alter protein structure/function. Nonetheless, the A1744D variant is a non-conservative amino acid substitution, which is likely to impact secondary protein structure as these residues differ in polarity, charge, size and/or other properties. Therefore, based on the currently available information, it is unclear whether this variant is pathogenic or rare benign.

Centre de Biologie Pathologie Génétique, Centre Hospitalier Universitaire de Lille
Classification: Uncertain significance for Intellectual disability. Last evaluated: 2019-01-01. Review status: no assertion criteria provided. Collection method: clinical testing. Allele origin: unknown. Affected: yes. Not counted in ClinVar's aggregate classification.

Literature cited by the submitters: PubMed 23396983 (cited by 3 submitters); PubMed 25351510 (cited by Ambry Genetics).